The following is an entry in ClinVar:

NM_199420.4(POLQ):c.6584G>T (p.Gly2195Val)

Gene: POLQ (DNA polymerase theta; minus strand). Cytogenetic location: 3q13.33.
Variant type: single nucleotide variant.
Coding change: c.6584G>T on transcript NM_199420.4 (MANE Select); coding-DNA position 6584, G replaced by T.
Protein change: p.Gly2195Val; replaces glycine 2195 with valine.
Molecular consequence: missense variant.
Genome position (GRCh38, 1-based): chr3:121,472,124, C>A on the plus strand (G>T on the coding strand, the complement: POLQ is on the minus strand). VCF-style: chr3-121472124-C-A. GRCh37 (hg19) VCF-style: chr3-121190971-C-A.
Other names: short protein forms G2195V.
Identifiers: ClinVar variation 1754324 (VCV001754324.2), dbSNP rs1187742104, ClinGen allele CA354085529.

ClinVar aggregate classification (germline): Uncertain significance (1 of 4 stars; one submission).

Allele frequency attached by ClinVar (database versions not stated): gnomAD 0.00001; TOPMed 0.00001.
gnomAD v4.1: 11 of 1,562,694 alleles (0.0007%); highest among the groups gnomAD compares: South Asian, 0.0058%; no homozygotes.

Submission:

Ambry Genetics
Classification: Uncertain significance. Last evaluated: 2024-02-06. Review status: criteria provided, single submitter. Criteria: Ambry Variant Classification Scheme 2023. Collection method: clinical testing. Allele origin: germline.
Comment: The p.G2195V variant (also known as c.6584G>T), located in coding exon 22 of the POLQ gene, results from a G to T substitution at nucleotide position 6584. The glycine at codon 2195 is replaced by valine, an amino acid with dissimilar properties. This amino acid position is conserved. In addition, this alteration is predicted to be tolerated by in silico analysis. Since supporting evidence is limited at this time, the clinical significance of this alteration remains unclear.